The following is an entry in ClinVar:

ClinVar aggregate classification (germline): Benign/Likely benign. Review status: criteria provided, multiple submitters, no conflicts (2 of 4 stars). 5 submissions from 5 submitters: Benign (1); Likely benign (3). 1 of the submissions does not count toward it. Last evaluated 2025-12-08.

Conditions:
Fanconi anemia (FA). Also called: Fanconi's anemia. Identifiers: Orphanet 84, MedGen C0015625, MeSH D005199, MONDO:0019391.
Fanconi anemia complementation group C (FANCC). Also called: FANCONI PANCYTOPENIA, TYPE 3; FACC; FANCC-Related Fanconi Anemia; Fanconi anemia, group C. Identifiers: Orphanet 84, MedGen C3468041, MONDO:0009213, OMIM 227645.
Malignant tumor of breast. Also called: Malignant breast neoplasm; Cancer breast. Identifiers: MedGen C0006142, MONDO:0007254. Disease mechanism: loss of function.

Allele frequency attached by ClinVar (database versions not stated): ExAC 0.00001; gnomAD exomes 0.00002 and 0.00010; TOPMed 0.00005; gnomAD 0.00007 and 0.00008.
gnomAD v4.1: 153 of 1,613,932 alleles (0.0095%); highest among the groups gnomAD compares: Non-Finnish European, 0.012%; no homozygotes.

Submissions (5):

Labcorp Genetics (formerly Invitae), Labcorp
Classification: Likely benign for Fanconi anemia. Last evaluated: 2025-12-08. Review status: criteria provided, single submitter. Criteria: Invitae Variant Classification Sherloc (09022015). Collection method: clinical testing. Allele origin: germline.

Blueprint Genetics
Classification: Likely benign. Last evaluated: 2022-07-13. Review status: criteria provided, single submitter. Criteria: ACMG Guidelines, 2015. Collection method: clinical testing. Allele origin: germline.

Fulgent Genetics
Classification: Likely benign for Fanconi anemia complementation group C. Last evaluated: 2021-07-11. Review status: criteria provided, single submitter. Criteria: ACMG Guidelines, 2015. Collection method: clinical testing. Allele origin: unknown.

GeneDx
Classification: Benign. Last evaluated: 2015-03-03. Review status: criteria provided, single submitter. Criteria: GeneDx Variant Classification Process June 2021. Collection method: clinical testing. Allele origin: germline. Affected: yes.

Department of Pathology and Laboratory Medicine, Sinai Health System
Classification: Uncertain significance for Malignant tumor of breast. Review status: no assertion criteria provided. Collection method: clinical testing. Allele origin: unknown. Affected: yes. Observed: 1 variant allele. Study: The Canadian Open Genetics Repository (COGR). Not counted in ClinVar's aggregate classification.
Comment: The FANCC c.1533+13G>A variant was not identified in the literature nor was it identified in the ClinVar or LOVD 3.0 databases. The variant was identified in dbSNP (ID: rs200515307) as well as in control databases in 7 of 276694 chromosomes at a frequency of 0.00003 (Genome Aggregation Database Feb 27, 2017). The variant was observed in the following populations: African in 1 of 24028 chromosomes (freq: 0.00004), European in 6 of 126238 chromosomes (freq: 0.00005), while the variant was not observed in the Other, Latino, Ashkenazi Jewish, East Asian, Finnish, or South Asian populations. The variant occurs outside of the splicing consensus sequence and in silico or computational prediction software programs (SpliceSiteFinder, MaxEntScan, NNSPLICE, GeneSplicer, HumanSpliceFinder) do not predict a difference in splicing. In summary, based on the above information the clinical significance of this variant cannot be determined with certainty at this time. This variant is classified as a variant of uncertain significance.

NM_000136.3(FANCC):c.1533+13G>A

Genes: AOPEP (aminopeptidase O (putative); plus strand), FANCC (FA complementation group C; minus strand). Cytogenetic location: 9q22.32.
Variant type: single nucleotide variant.
Coding change: c.1533+13G>A on transcript NM_000136.3 (MANE Select); 13 bases into the intron after coding-DNA position 1533, G replaced by A.
Molecular consequence: intron variant.
Genome position (GRCh38, 1-based): chr9:95,107,053, C>T on the plus strand (G>A on the coding strand, the complement: FANCC is on the minus strand). VCF-style: chr9-95107053-C-T. GRCh37 (hg19) VCF-style: chr9-97869335-C-T.
Other names: c.1533+13G>A (NM_001243743.2).
Identifiers: ClinVar variation 1048979 (VCV001048979.13), dbSNP rs200515307, ClinGen allele CA5137318.
Genomic context (GRCh38, chr9:95,107,053, plus strand): 5'-CCTCGGACAGGTAACCCACCTCTCGCCTGGAGCAGAAATGAGTACTAGGATGCTGGACCA[C>T]AGGGAGACTTACCAGGGTGATGACATCCCAGGCGATCGTGTGGCCTCCAGGAGCCCAGAG-3'